The following is an entry in ClinVar:

NM_002439.5(MSH3):c.438_439delinsG (p.Pro147fs)

Gene: MSH3 (mutS homolog 3; plus strand). Cytogenetic location: 5q14.1.
Variant type: Indel.
Coding change: c.438_439delinsG on transcript NM_002439.5 (MANE Select); coding-DNA positions 438 to 439, TC replaced by G.
Protein change: p.Pro147fs; shifts the reading frame from proline 147.
Molecular consequence: frameshift variant.
Genome position (GRCh38, 1-based): chr5:80,665,222-80,665,223, TC replaced by G. VCF-style: chr5-80665222-TC-G. GRCh37 (hg19) VCF-style: chr5-79961041-TC-G.
Other names: short protein forms P147fs.
Identifiers: ClinVar variation 2673510 (VCV002673510.14), dbSNP rs2546717431, ClinGen allele CA2695198642.
Genomic context (GRCh38, chr5:80,665,222, plus strand): 5'-GACCAGGAATGTTTCAAAGTCTCTGGAAAAATTGAAAGAATTCTGCTGCGATTCTGCCCT[TC>G]CTCAAAGTAGAGTCCAGACAGAATCTCTGCAGGAGAGATTTGCAGTTCTGCCAAAATGTA-3'

ClinVar aggregate classification (germline): Pathogenic. Review status: criteria provided, multiple submitters, no conflicts (2 of 4 stars). 2 submissions from 2 submitters: Pathogenic (2). Last evaluated 2025-02-01.

Conditions:
Familial adenomatous polyposis 4 (FAP4). Also called: MSH3-related attenuated familial adenomatous polyposis. Identifiers: Orphanet 480536, MedGen C4310719, MONDO:0044300, OMIM 617100.

Submissions (2):

CeGaT Center for Human Genetics Tuebingen
Classification: Pathogenic. Last evaluated: 2025-02-01. Review status: criteria provided, single submitter. Criteria: CeGaT Center For Human Genetics Tuebingen Variant Classification Criteria Version 2. Collection method: clinical testing. Allele origin: germline. Affected: yes. Observed: 1 variant allele.
Comment: MSH3: PVS1, PM2

Myriad Genetics, Inc.
Classification: Pathogenic for Familial adenomatous polyposis 4. Last evaluated: 2023-08-29. Review status: criteria provided, single submitter. Criteria: Myriad Autosomal Dominant, Autosomal Recessive and X-Linked Classification Criteria (2023). Collection method: clinical testing. Allele origin: unknown.
Comment: This variant is considered pathogenic. This variant creates a frameshift predicted to result in premature protein truncation.